The following is an entry in ClinVar:

NM_018979.4(WNK1):c.759+15A>C

Gene: WNK1 (WNK lysine deficient protein kinase 1; plus strand). Cytogenetic location: 12p13.33.
Variant type: single nucleotide variant.
Coding change: c.759+15A>C on transcript NM_018979.4 (MANE Select); 15 bases into the intron after coding-DNA position 759, A replaced by C.
Molecular consequence: intron variant.
Genome position (GRCh38, 1-based): chr12:754,339, A>C. VCF-style: chr12-754339-A-C. GRCh37 (hg19) VCF-style: chr12-863505-A-C.
Other names: c.759+15A>C (NM_213655.5, NM_001184985.2, NM_014823.3).
Identifiers: ClinVar variation 137928 (VCV000137928.16), dbSNP rs11064518, ClinGen allele CA291642.

ClinVar aggregate classification (germline): Benign/Likely benign. Review status: criteria provided, multiple submitters, no conflicts (2 of 4 stars). 7 submissions from 7 submitters: Benign (6); Likely benign (1). Last evaluated 2026-02-03.

Conditions:
Neuropathy, hereditary sensory and autonomic, type 2A (HSAN2A). Also called: WNK1-Related HSAN2 (HSAN2A); HSAN IIA; ACROOSTEOLYSIS, GIACCAI TYPE; ACROOSTEOLYSIS, NEUROGENIC; MORVAN DISEASE; NEUROPATHY, CONGENITAL SENSORY. Identifiers: Orphanet 970, MedGen C2752089, MONDO:0024309, OMIM 201300.
Pseudohypoaldosteronism type 2C (PHA2C). Also called: Pseudohypoaldosteronism Type IIC. Identifiers: Orphanet 757, Orphanet 88940, MedGen C1840391, MONDO:0013778, OMIM 614492.

Allele frequency attached by ClinVar (database versions not stated): ExAC 0.03831; gnomAD exomes 0.04197; gnomAD 0.05355 and 0.05581; 1000 Genomes Project 0.05391; TOPMed 0.06346.
gnomAD v4.1: 43,375 of 1,613,154 alleles (2.7%); highest among the groups gnomAD compares: Admixed American, 13%; 1,407 homozygotes.

Submissions (7):

Labcorp Genetics (formerly Invitae), Labcorp
Classification: Benign for Neuropathy, hereditary sensory and autonomic, type 2A; Pseudohypoaldosteronism type 2C. Last evaluated: 2026-02-03. Review status: criteria provided, single submitter. Criteria: Invitae Variant Classification Sherloc (09022015). Collection method: clinical testing. Allele origin: germline.

Blueprint Genetics
Classification: Benign. Last evaluated: 2024-11-27. Review status: criteria provided, single submitter. Criteria: ACMG Guidelines, 2015. Collection method: clinical testing. Allele origin: germline.

Fulgent Genetics
Classification: Likely benign for Neuropathy, hereditary sensory and autonomic, type 2A; Pseudohypoaldosteronism type 2C. Last evaluated: 2021-08-02. Review status: criteria provided, single submitter. Criteria: ACMG Guidelines, 2015. Collection method: clinical testing. Allele origin: unknown.

Athena Diagnostics
Classification: Benign. Last evaluated: 2018-02-02. Review status: criteria provided, single submitter. Criteria: Athena Diagnostics Criteria. Collection method: clinical testing. Allele origin: germline.

Illumina Laboratory Services, Illumina
Classification: Benign for Pseudohypoaldosteronism type 2C. Last evaluated: 2018-01-13. Review status: criteria provided, single submitter. Criteria: ICSL Variant Classification Criteria 13 December 2019. Collection method: clinical testing. Allele origin: germline.
Comment: This variant was observed in the ICSL laboratory as part of a predisposition screen in an ostensibly healthy population. It had not been previously curated by ICSL or reported in the Human Gene Mutation Database (HGMD: prior to June 1st, 2018), and was therefore a candidate for classification through an automated scoring system. Utilizing variant allele frequency, disease prevalence and penetrance estimates, and inheritance mode, an automated score was calculated to assess if this variant is too frequent to cause the disease. Based on the score and internal cut-off values, a variant classified as benign is not then subjected to further curation. The score for this variant resulted in a classification of benign for this disease.

GeneDx
Classification: Benign. Last evaluated: 2014-03-07. Review status: criteria provided, single submitter. Criteria: GeneDx Variant Classification (06012015). Collection method: clinical testing. Allele origin: germline. Affected: yes.
Comment: This variant is considered likely benign or benign based on one or more of the following criteria: it is a conservative change, it occurs at a poorly conserved position in the protein, it is predicted to be benign by multiple in silico algorithms, and/or has population frequency not consistent with disease.

Breakthrough Genomics
Classification: Benign. Review status: criteria provided, single submitter. Criteria: ACMG Guidelines, 2015. Collection method: not provided. Allele origin: germline. Inheritance: Autosomal recessive inheritance. Affected: yes.